The following is an entry in ClinVar:

ClinVar aggregate classification (germline): Uncertain significance (1 of 4 stars; one submission).

Conditions:
Atrioventricular septal defect 4 (AVSD4). Identifiers: MedGen C3280781, MONDO:0013747, OMIM 614430.

Allele frequency attached by ClinVar (database versions not stated): TOPMed below 0.00001; gnomAD exomes 0.00001.
gnomAD v4.1: 7 of 1,584,186 alleles (0.00044%); highest among the groups gnomAD compares: Admixed American, 0.0051%; no homozygotes.

Submission:

Labcorp Genetics (formerly Invitae), Labcorp
Classification: Uncertain significance for Atrioventricular septal defect 4. Last evaluated: 2022-10-25. Review status: criteria provided, single submitter. Criteria: Invitae Variant Classification Sherloc (09022015). Collection method: clinical testing. Allele origin: germline.
Comment: This variant is present in population databases (no rsID available, gnomAD 0.01%). This variant has not been reported in the literature in individuals affected with GATA4-related conditions. ClinVar contains an entry for this variant (Variation ID: 846765). Algorithms developed to predict the effect of missense changes on protein structure and function are either unavailable or do not agree on the potential impact of this missense change (SIFT: "Tolerated"; PolyPhen-2: "Possibly Damaging"; Align-GVGD: "Class C0"). In summary, the available evidence is currently insufficient to determine the role of this variant in disease. Therefore, it has been classified as a Variant of Uncertain Significance. This sequence change replaces methionine, which is neutral and non-polar, with valine, which is neutral and non-polar, at codon 7 of the GATA4 protein (p.Met7Val).

NM_001308093.3(GATA4):c.19A>G (p.Met7Val)

Gene: GATA4 (GATA binding protein 4). Cytogenetic location: 8p23.1.
Variant type: single nucleotide variant.
Coding change: c.19A>G on transcript NM_001308093.3 (MANE Select); coding-DNA position 19, A replaced by G.
Protein change: p.Met7Val; replaces methionine 7 with valine.
Molecular consequence: missense variant. On other transcripts: intron variant (3).
Genome position (GRCh38, 1-based): chr8:11,708,331, A>G. VCF-style: chr8-11708331-A-G. GRCh37 (hg19) VCF-style: chr8-11565840-A-G.
Other names: c.19A>G, p.Met7Val (NM_002052.5); c.-6+7553A>G (NM_001308094.2); c.-3+317A>G (NM_001374274.1); c.-3+4027A>G (NM_001374273.1); short protein forms M7V.
Identifiers: ClinVar variation 846765 (VCV000846765.9), dbSNP rs899023750, ClinGen allele CA172074370.
Genomic context (GRCh38, chr8:11,708,331, plus strand): 5'-GAGGGAGAGAGAGGACACCGAAGCCGGGAGCTCGCAGGGACCATGTATCAGAGCTTGGCC[A>G]TGGCCGCCAACCACGGGCCGCCCCCCGGTGCCTACGAGGCGGGCGGCCCCGGCGCCTTCA-3'
Protein context (NP_001295022.1, residues 1-17): MYQSLA[Met7Val]AANHGPPPGA